The following is an entry in ClinVar:

ClinVar aggregate classification (germline): Pathogenic (1 of 4 stars; one submission).

Conditions:
Hypertrophic cardiomyopathy. Also called: HYPERTROPHIC MYOCARDIOPATHY. Identifiers: Orphanet 217569, MedGen C0007194, MeSH D002312, MONDO:0005045, HP:0001639.

Submission:

Labcorp Genetics (formerly Invitae), Labcorp
Classification: Pathogenic for Hypertrophic cardiomyopathy. Last evaluated: 2022-05-06. Review status: criteria provided, single submitter. Criteria: Invitae Variant Classification Sherloc (09022015). Collection method: clinical testing. Allele origin: germline.
Comment: For these reasons, this variant has been classified as Pathogenic. This variant has not been reported in the literature in individuals affected with MYBPC3-related conditions. This variant is not present in population databases (gnomAD no frequency). This sequence change creates a premature translational stop signal (p.Asp1071Ilefs*4) in the MYBPC3 gene. It is expected to result in an absent or disrupted protein product. Loss-of-function variants in MYBPC3 are known to be pathogenic (PMID: 19574547).

Literature cited by the submitters: PubMed 19574547.

NM_000256.3(MYBPC3):c.3211del (p.Asp1071fs)

Gene: MYBPC3 (myosin binding protein C3; minus strand). Cytogenetic location: 11p11.2.
Variant type: Deletion.
Coding change: c.3211del on transcript NM_000256.3 (MANE Select); coding-DNA position 3211, one base deleted (G; older notation c.3211delG).
Protein change: p.Asp1071fs; shifts the reading frame from aspartic acid 1071.
Molecular consequence: frameshift variant.
Genome position (GRCh38, 1-based): chr11:47,333,313, C deleted on the plus strand (G on the coding strand, the reverse complement: MYBPC3 is on the minus strand); the first of 2 consecutive C bases (chr11:47,333,313-47,333,314); deleting either gives the same sequence. VCF-style (leftmost placement, unchanged base first): chr11-47333312-TC-T. GRCh37 (hg19) VCF-style: chr11-47354863-TC-T.
Other names: short protein forms D1071fs.
Identifiers: ClinVar variation 2101639 (VCV002101639.4), dbSNP rs2495740476, ClinGen allele CA2580084230.
Genomic context (GRCh38, chr11:47,333,312, plus strand): 5'-TCCTGGGGTGGCTTCCACTCCAGAGCCACATTAAGACCCCAGGCGTCAGTCACCCGGAGA[TC>T]CTGGGGAGGACTTGGCTTGTCTGCGGGAGACAGACCCAGTTGGGTCACCACGCCTCCTGA-3'